The following is an entry in ClinVar:

ClinVar aggregate classification (germline): Benign. Review status: criteria provided, multiple submitters, no conflicts (2 of 4 stars). 3 submissions from 3 submitters: Benign (2). 1 of the submissions does not count toward it. Last evaluated 2019-12-31.

Conditions:
ABCA7-related disorder. Also called: ABCA7-related condition.

Allele frequency attached by ClinVar (database versions not stated): gnomAD exomes 0.00129 and 0.00315; ExAC 0.00600; gnomAD 0.01299 and 0.01387; TOPMed 0.01430; ESP Exome Variant Server 0.01471; 1000 Genomes Project 30x 0.01546; 1000 Genomes Project 0.01617.
gnomAD v4.1: 3,955 of 1,602,932 alleles (0.25%); highest among the groups gnomAD compares: African/African-American, 4.7%; 110 homozygotes.

Submissions (3):

Labcorp Genetics (formerly Invitae), Labcorp
Classification: Benign. Last evaluated: 2019-12-31. Review status: criteria provided, single submitter. Criteria: Invitae Variant Classification Sherloc (09022015). Collection method: clinical testing. Allele origin: germline.

Breakthrough Genomics
Classification: Benign. Review status: criteria provided, single submitter. Criteria: ACMG Guidelines, 2015. Collection method: not provided. Allele origin: germline. Inheritance: Autosomal dominant inheritance. Affected: yes.

PreventionGenetics, part of Exact Sciences
Classification: Benign for ABCA7-related condition. Last evaluated: 2020-01-13. Review status: no assertion criteria provided. Collection method: clinical testing. Allele origin: germline. Not counted in ClinVar's aggregate classification.
Comment: This variant is classified as benign based on ACMG/AMP sequence variant interpretation guidelines (Richards et al. 2015 PMID: 25741868, with internal and published modifications).

NM_019112.4(ABCA7):c.2274G>C (p.Gln758His)

Gene: ABCA7 (ATP binding cassette subfamily A member 7; plus strand). Cytogenetic location: 19p13.3.
Variant type: single nucleotide variant.
Coding change: c.2274G>C on transcript NM_019112.4 (MANE Select); coding-DNA position 2274, G replaced by C.
Protein change: p.Gln758His; replaces glutamine 758 with histidine.
Molecular consequence: missense variant.
Genome position (GRCh38, 1-based): chr19:1,048,899, G>C. VCF-style: chr19-1048899-G-C. GRCh37 (hg19) VCF-style: chr19-1048898-G-C.
Other names: short protein forms Q758H.
Identifiers: ClinVar variation 789109 (VCV000789109.7), dbSNP rs76282929, ClinGen allele CA9033391.